The following is an entry in ClinVar:

ClinVar aggregate classification (germline): Likely pathogenic (1 of 4 stars; one submission).

Conditions:
Primary ciliary dyskinesia 3. Identifiers: Orphanet 244, MedGen C1837618, MONDO:0012085, OMIM 608644.

Submission:

Myriad Genetics, Inc.
Classification: Likely pathogenic for Primary ciliary dyskinesia 3. Last evaluated: 2022-03-03. Review status: criteria provided, single submitter. Criteria: Myriad Women's Health Autosomal Recessive and X-Linked Classification Criteria (2021). Collection method: clinical testing. Allele origin: unknown.
Comment: NM_001369.2(DNAH5):c.4467delA(A1490Pfs*2) is expected to be pathogenic in the context of DNAH5-related primary ciliary dyskinesia. This variant is predicted to lead to an abnormal or absent protein product due to the creation of a premature termination codon in DNAH5, a gene where loss-of-function variants are known to be pathogenic. Please note: this variant was assessed in the context of healthy population screening.

NM_001369.3(DNAH5):c.4467del (p.Ala1490fs)

Genes: DNAH5-AS1 (DNAH5 antisense RNA 1; plus strand), DNAH5 (dynein axonemal heavy chain 5; minus strand). Cytogenetic location: 5p15.2.
Variant type: Deletion.
Coding change: c.4467del on transcript NM_001369.3 (MANE Select); coding-DNA position 4467, one base deleted (A; older notation c.4467delA).
Protein change: p.Ala1490fs; shifts the reading frame from alanine 1490.
Molecular consequence: frameshift variant.
Genome position (GRCh38, 1-based): chr5:13,864,526, T deleted on the plus strand (A on the coding strand, the reverse complement: DNAH5 is on the minus strand); the first of 3 consecutive T bases (chr5:13,864,526-13,864,528); deleting any one gives the same sequence. VCF-style (leftmost placement, unchanged base first): chr5-13864525-CT-C. GRCh37 (hg19) VCF-style: chr5-13864634-CT-C.
Other names: short protein forms A1490fs.
Identifiers: ClinVar variation 1724939 (VCV001724939.2), dbSNP rs2546978839, ClinGen allele CA2580072102.